The following is an entry in ClinVar:

ClinVar aggregate classification (germline): Uncertain significance (1 of 4 stars; one submission).

Submission:

GeneDx
Classification: Uncertain significance. Last evaluated: 2023-06-27. Review status: criteria provided, single submitter. Criteria: GeneDx Variant Classification Process June 2021. Collection method: clinical testing. Allele origin: germline.
Comment: Not observed at significant frequency in large population cohorts (gnomAD); In silico analysis supports that this missense variant has a deleterious effect on protein structure/function; Has not been previously published as pathogenic or benign to our knowledge

NM_021098.3(CACNA1H):c.384C>G (p.Cys128Trp)

Gene: CACNA1H (calcium voltage-gated channel subunit alpha1 H; plus strand). Cytogenetic location: 16p13.3.
Variant type: single nucleotide variant.
Coding change: c.384C>G on transcript NM_021098.3 (MANE Select); coding-DNA position 384, C replaced by G.
Protein change: p.Cys128Trp; replaces cysteine 128 with tryptophan.
Molecular consequence: missense variant.
Genome position (GRCh38, 1-based): chr16:1,195,056, C>G. VCF-style: chr16-1195056-C-G. GRCh37 (hg19) VCF-style: chr16-1245056-C-G.
Other names: c.384C>G, p.Cys128Trp (NM_001005407.2); short protein forms C128W.
Identifiers: ClinVar variation 1712747 (VCV001712747.3), dbSNP rs767025421, ClinGen allele CA394152200.